The following is an entry in ClinVar:

ClinVar aggregate classification (germline): Uncertain significance (1 of 4 stars; one submission).

gnomAD v4.1: 31 of 1,609,058 alleles (0.0019%); highest among the groups gnomAD compares: South Asian, 0.035%; 1 homozygote.

Submission:

Labcorp Genetics (formerly Invitae), Labcorp
Classification: Uncertain significance. Last evaluated: 2024-09-02. Review status: criteria provided, single submitter. Criteria: Invitae Variant Classification Sherloc (09022015). Collection method: clinical testing. Allele origin: germline.
Comment: This sequence change falls in intron 11 of the MYLK3 gene. It does not directly change the encoded amino acid sequence of the MYLK3 protein. This variant is present in population databases (rs762679405, gnomAD 0.03%). This variant has not been reported in the literature in individuals affected with MYLK3-related conditions. Algorithms developed to predict the effect of sequence changes on RNA splicing suggest that this variant may disrupt the consensus splice site. In summary, the available evidence is currently insufficient to determine the role of this variant in disease. Therefore, it has been classified as a Variant of Uncertain Significance.

NM_182493.3(MYLK3):c.2268-7T>G

Gene: MYLK3 (myosin light chain kinase 3; minus strand). Cytogenetic location: 16q11.2.
Variant type: single nucleotide variant.
Coding change: c.2268-7T>G on transcript NM_182493.3 (MANE Select); 7 bases into the intron before coding-DNA position 2268, T replaced by G.
Molecular consequence: intron variant.
Genome position (GRCh38, 1-based): chr16:46,709,678, A>C on the plus strand (T>G on the coding strand, the complement: MYLK3 is on the minus strand). VCF-style: chr16-46709678-A-C. GRCh37 (hg19) VCF-style: chr16-46743590-A-C.
Other names: c.1245-7T>G (NM_001308301.1).
Identifiers: ClinVar variation 3608423 (VCV003608423.2).